The following is an entry in ClinVar:

NM_006231.4(POLE):c.4728G>C (p.Lys1576Asn)

Gene: POLE (DNA polymerase epsilon, catalytic subunit; minus strand). Cytogenetic location: 12q24.33.
Variant type: single nucleotide variant.
Coding change: c.4728G>C on transcript NM_006231.4 (MANE Select); coding-DNA position 4728, G replaced by C.
Protein change: p.Lys1576Asn; replaces lysine 1576 with asparagine.
Molecular consequence: missense variant.
Genome position (GRCh38, 1-based): chr12:132,642,820, C>G on the plus strand (G>C on the coding strand, the complement: POLE is on the minus strand). VCF-style: chr12-132642820-C-G. GRCh37 (hg19) VCF-style: chr12-133219406-C-G.
Other names: short protein forms K1576N.
Identifiers: ClinVar variation 3669003 (VCV003669003.2).

ClinVar aggregate classification (germline): Uncertain significance (1 of 4 stars; one submission).

Submission:

Labcorp Genetics (formerly Invitae), Labcorp
Classification: Uncertain significance. Last evaluated: 2024-06-17. Review status: criteria provided, single submitter. Criteria: Invitae Variant Classification Sherloc (09022015). Collection method: clinical testing. Allele origin: germline.
Comment: This sequence change replaces lysine, which is basic and polar, with asparagine, which is neutral and polar, at codon 1576 of the POLE protein (p.Lys1576Asn). This variant also falls at the last nucleotide of exon 36, which is part of the consensus splice site for this exon. This variant is not present in population databases (gnomAD no frequency). This variant has not been reported in the literature in individuals affected with POLE-related conditions. An algorithm developed to predict the effect of missense changes on protein structure and function (PolyPhen-2) suggests that this variant is likely to be disruptive. Variants that disrupt the consensus splice site are a relatively common cause of aberrant splicing (PMID: 17576681, 9536098). Algorithms developed to predict the effect of sequence changes on RNA splicing suggest that this variant may disrupt the consensus splice site. In summary, the available evidence is currently insufficient to determine the role of this variant in disease. Therefore, it has been classified as a Variant of Uncertain Significance.

Literature cited by the submitters: PubMed 17576681; PubMed 9536098.